The following is an entry in ClinVar:

ClinVar aggregate classification (germline): Uncertain significance (1 of 4 stars; one submission).

Submission:

Labcorp Genetics (formerly Invitae), Labcorp
Classification: Uncertain significance. Last evaluated: 2024-11-05. Review status: criteria provided, single submitter. Criteria: Invitae Variant Classification Sherloc (09022015). Collection method: clinical testing. Allele origin: germline.
Comment: This sequence change falls in intron 32 of the POLE gene. It does not directly change the encoded amino acid sequence of the POLE protein. RNA analysis indicates that this variant induces altered splicing and likely results in the gain of 30 amino acid residue(s), but is expected to preserve the integrity of the reading-frame. This variant is not present in population databases (gnomAD no frequency). This variant has not been reported in the literature in individuals affected with POLE-related conditions. ClinVar contains an entry for this variant (Variation ID: 1469082). Studies have shown that this variant results in the activation of a cryptic splice site in intron 32 (internal data). In summary, the available evidence is currently insufficient to determine the role of this variant in disease. Therefore, it has been classified as a Variant of Uncertain Significance.

NM_006231.4(POLE):c.4149+206A>G

Gene: POLE (DNA polymerase epsilon, catalytic subunit; minus strand). Cytogenetic location: 12q24.33.
Variant type: single nucleotide variant.
Coding change: c.4149+206A>G on transcript NM_006231.4 (MANE Select); 206 bases into the intron after coding-DNA position 4149, A replaced by G.
Molecular consequence: intron variant.
Genome position (GRCh38, 1-based): chr12:132,648,723, T>C on the plus strand (A>G on the coding strand, the complement: POLE is on the minus strand). VCF-style: chr12-132648723-T-C. GRCh37 (hg19) VCF-style: chr12-133225309-T-C.
Identifiers: ClinVar variation 1469082 (VCV001469082.6), dbSNP rs2138593381, ClinGen allele CA2573148075.